The following is an entry in ClinVar:

ClinVar aggregate classification (germline): Uncertain significance (1 of 4 stars; one submission).

gnomAD v4.1: 3 of 1,610,168 alleles (0.00019%); highest among the groups gnomAD compares: African/African-American, 0.0013%; no homozygotes.

Submission:

Labcorp Genetics (formerly Invitae), Labcorp
Classification: Uncertain significance. Last evaluated: 2024-02-24. Review status: criteria provided, single submitter. Criteria: Invitae Variant Classification Sherloc (09022015). Collection method: clinical testing. Allele origin: germline.
Comment: This sequence change replaces threonine, which is neutral and polar, with lysine, which is basic and polar, at codon 980 of the CDH23 protein (p.Thr980Lys). This variant is not present in population databases (gnomAD no frequency). This variant has not been reported in the literature in individuals affected with CDH23-related conditions. ClinVar contains an entry for this variant (Variation ID: 1968736). Advanced modeling of protein sequence and biophysical properties (such as structural, functional, and spatial information, amino acid conservation, physicochemical variation, residue mobility, and thermodynamic stability) performed at Invitae indicates that this missense variant is not expected to disrupt CDH23 protein function with a negative predictive value of 95%. In summary, the available evidence is currently insufficient to determine the role of this variant in disease. Therefore, it has been classified as a Variant of Uncertain Significance.

NM_022124.6(CDH23):c.2939C>A (p.Thr980Lys)

Gene: CDH23 (cadherin related 23; plus strand). Cytogenetic location: 10q22.1.
Variant type: single nucleotide variant.
Coding change: c.2939C>A on transcript NM_022124.6 (MANE Select); coding-DNA position 2939, C replaced by A.
Protein change: p.Thr980Lys; replaces threonine 980 with lysine.
Molecular consequence: missense variant.
Genome position (GRCh38, 1-based): chr10:71,705,116, C>A. VCF-style: chr10-71705116-C-A. GRCh37 (hg19) VCF-style: chr10-73464873-C-A.
Other names: c.2939C>A, p.Thr980Lys (NM_001171930.2, NM_001171931.2); short protein forms T980K.
Identifiers: ClinVar variation 1968736 (VCV001968736.4), dbSNP rs535416598, ClinGen allele CA377140040.